The following is an entry in ClinVar:

NM_174936.4(PCSK9):c.399+6C>A

Gene: PCSK9 (proprotein convertase subtilisin/kexin type 9; plus strand). Cytogenetic location: 1p32.3.
Variant type: single nucleotide variant.
Coding change: c.399+6C>A on transcript NM_174936.4 (MANE Select); 6 bases into the intron after coding-DNA position 399, C replaced by A.
Molecular consequence: intron variant.
Genome position (GRCh38, 1-based): chr1:55,044,040, C>A. VCF-style: chr1-55044040-C-A. GRCh37 (hg19) VCF-style: chr1-55509713-C-A.
Other names: c.399+6C>A (NM_001407244.1, NM_001407247.1, NM_001407243.1 and 2 more transcripts); c.208-2483C>A (NM_001407245.1); c.24+6C>A (NM_001407246.1); c.522+6C>A (NM_001407240.1).
Identifiers: ClinVar variation 2581548 (VCV002581548.4), dbSNP rs1462086489, ClinGen allele CA523275410.

ClinVar aggregate classification (germline): Uncertain significance. Review status: criteria provided, multiple submitters, no conflicts (2 of 4 stars). 2 submissions from 2 submitters: Uncertain significance (2). Last evaluated 2023-12-09.

Conditions:
Hypercholesterolemia, autosomal dominant, 3 (FHCL3). Also called: PCSK9-Related Familial Hypercholesterolemia, Autosomal Dominant; Familial hypercholesterolemia 3; Familial Hypercholesterolemia, Autosomal Dominant, 3. Identifiers: MedGen C1863551, MONDO:0011369, OMIM 603776.

Allele frequency attached by ClinVar (database versions not stated): gnomAD exomes below 0.00001.
gnomAD v4.1: 1 of 1,614,100 alleles (0.000062%); highest among the groups gnomAD compares: Admixed American, 0.0017%; no homozygotes.

Submissions (2):

Labcorp Genetics (formerly Invitae), Labcorp
Classification: Uncertain significance for Hypercholesterolemia, autosomal dominant, 3. Last evaluated: 2023-12-09. Review status: criteria provided, single submitter. Criteria: Invitae Variant Classification Sherloc (09022015). Collection method: clinical testing. Allele origin: germline.
Comment: This sequence change falls in intron 2 of the PCSK9 gene. It does not directly change the encoded amino acid sequence of the PCSK9 protein. It affects a nucleotide within the consensus splice site. This variant is present in population databases (no rsID available, gnomAD 0.003%). This variant has not been reported in the literature in individuals affected with PCSK9-related conditions. Variants that disrupt the consensus splice site are a relatively common cause of aberrant splicing (PMID: 17576681, 9536098). Algorithms developed to predict the effect of sequence changes on RNA splicing suggest that this variant is not likely to affect RNA splicing. In summary, the available evidence is currently insufficient to determine the role of this variant in disease. Therefore, it has been classified as a Variant of Uncertain Significance.

Women's Health and Genetics/Laboratory Corporation of America, LabCorp
Classification: Uncertain significance. Last evaluated: 2023-08-07. Review status: criteria provided, single submitter. Criteria: LabCorp Variant Classification Summary - May 2015. Collection method: clinical testing. Allele origin: germline.

Literature cited by the submitters: PubMed 17576681 (cited by Labcorp Genetics (formerly Invitae), Labcorp); PubMed 9536098 (cited by Labcorp Genetics (formerly Invitae), Labcorp).